The following is an entry in ClinVar:

NM_148919.4(PSMB8):c.271C>T (p.Arg91Trp)

Gene: PSMB8 (proteasome 20S subunit beta 8; minus strand). Cytogenetic location: 6p21.32.
Variant type: single nucleotide variant.
Coding change: c.271C>T on transcript NM_148919.4 (MANE Select); coding-DNA position 271, C replaced by T.
Protein change: p.Arg91Trp; replaces arginine 91 with tryptophan.
Molecular consequence: missense variant.
Genome position (GRCh38, 1-based): chr6:32,842,966, G>A on the plus strand (C>T on the coding strand, the complement: PSMB8 is on the minus strand). VCF-style: chr6-32842966-G-A. GRCh37 (hg19) VCF-style: chr6-32810743-G-A.
Other names: p.Arg91Trp; c.259C>T, p.Arg87Trp (NM_004159.5); short protein forms R87W, R91W.
Identifiers: ClinVar variation 1693911 (VCV001693911.6), dbSNP rs201142158, ClinGen allele CA3746452.

ClinVar aggregate classification (germline): Uncertain significance. Review status: criteria provided, multiple submitters, no conflicts (2 of 4 stars). 2 submissions from 2 submitters: Uncertain significance (2). Last evaluated 2022-08-10.

Conditions:
Proteasome-associated autoinflammatory syndrome 1 (PRAAS1). Also called: Nakajo syndrome; JOINT CONTRACTURES, MUSCULAR ATROPHY, MICROCYTIC ANEMIA, AND PANNICULITIS-INDUCED LIPODYSTROPHY; JMP SYNDROME; AUTOINFLAMMATION, LIPODYSTROPHY, AND DERMATOSIS SYNDROME; NAKAJO-NISHIMURA SYNDROME; CHRONIC ATYPICAL NEUTROPHILIC DERMATOSIS WITH LIPODYSTROPHY AND ELEVATED TEMPERATURE SYNDROME. Identifiers: Orphanet 2615, Orphanet 324977, Orphanet 324999, Orphanet 325004, MedGen C4746851, MONDO:0054698, OMIM 256040.

Allele frequency attached by ClinVar (database versions not stated): gnomAD 0.00001; gnomAD exomes 0.00001 and 0.00002; ExAC 0.00002.
gnomAD v4.1: 24 of 1,613,172 alleles (0.0015%); highest among the groups gnomAD compares: South Asian, 0.0044%; no homozygotes.

Submissions (2):

Labcorp Genetics (formerly Invitae), Labcorp
Classification: Uncertain significance for Proteosome-associated autoinflammatory syndrome. Last evaluated: 2022-08-10. Review status: criteria provided, single submitter. Criteria: Invitae Variant Classification Sherloc (09022015). Collection method: clinical testing. Allele origin: germline.
Comment: This sequence change replaces arginine, which is basic and polar, with tryptophan, which is neutral and slightly polar, at codon 91 of the PSMB8 protein (p.Arg91Trp). This variant is present in population databases (rs201142158, gnomAD 0.007%). This variant has not been reported in the literature in individuals affected with PSMB8-related conditions. ClinVar contains an entry for this variant (Variation ID: 1693911). Algorithms developed to predict the effect of missense changes on protein structure and function (SIFT, PolyPhen-2, Align-GVGD) all suggest that this variant is likely to be disruptive. In summary, the available evidence is currently insufficient to determine the role of this variant in disease. Therefore, it has been classified as a Variant of Uncertain Significance.

Mayo Clinic Laboratories, Mayo Clinic
Classification: Uncertain significance. Last evaluated: 2021-08-17. Review status: criteria provided, single submitter. Criteria: ACMG Guidelines, 2015. Collection method: clinical testing. Allele origin: germline.